The following is an entry in ClinVar:

NM_000166.6(GJB1):c.264_280del (p.Leu89fs)

Gene: GJB1 (gap junction protein beta 1; plus strand). Cytogenetic location: Xq13.1.
Variant type: Deletion.
Coding change: c.264_280del on transcript NM_000166.6 (MANE Select); coding-DNA positions 264 to 280, 17 bases deleted (TCTCCTCGTGGCCATGC).
Protein change: p.Leu89fs; shifts the reading frame from leucine 89.
Molecular consequence: frameshift variant.
Genome position (GRCh38, 1-based): chrX:71,223,971-71,223,987, TCTCCTCGTGGCCATGC deleted; deleting any 17 consecutive bases within chrX:71,223,969-71,223,987 gives the same sequence; the c. name uses the placement nearest the transcript's 3' end. VCF-style (leftmost placement, unchanged base first): chrX-71223968-AGCTCTCCTCGTGGCCAT-A. GRCh37 (hg19) VCF-style: chrX-70443818-AGCTCTCCTCGTGGCCAT-A.
Other names: c.264_280del, p.Leu89fs (NM_001097642.3); short protein forms L89fs.
Identifiers: ClinVar variation 1436675 (VCV001436675.6), dbSNP rs2147945690, ClinGen allele CA2573159491.

ClinVar aggregate classification (germline): Pathogenic (1 of 4 stars; one submission).

Conditions:
Charcot-Marie-Tooth Neuropathy X. Identifiers: MedGen CN118851.

Submission:

Labcorp Genetics (formerly Invitae), Labcorp
Classification: Pathogenic for Charcot-Marie-Tooth Neuropathy X. Last evaluated: 2021-11-03. Review status: criteria provided, single submitter. Criteria: Invitae Variant Classification Sherloc (09022015). Collection method: clinical testing. Allele origin: germline.
Comment: For these reasons, this variant has been classified as Pathogenic. This variant disrupts a region of the GJB1 protein in which other variant(s) (p.Arg220*) have been determined to be pathogenic (PMID: 7477983, 8162049, 9364054, 21291455). This suggests that this is a clinically significant region of the protein, and that variants that disrupt it are likely to be disease-causing. This variant has not been reported in the literature in individuals affected with GJB1-related conditions. This variant is not present in population databases (gnomAD no frequency). This sequence change creates a premature translational stop signal (p.Leu89Argfs*15) in the GJB1 gene. While this is not anticipated to result in nonsense mediated decay, it is expected to disrupt the last 195 amino acid(s) of the GJB1 protein.

Literature cited by the submitters: PubMed 7477983; PubMed 8162049; PubMed 9364054; PubMed 21291455.